The following is an entry in ClinVar:

ClinVar aggregate classification (germline): Conflicting classifications of pathogenicity. Review status: criteria provided, conflicting classifications (1 of 4 stars). 2 submissions from 2 submitters: Uncertain significance (1); Likely benign (1). Last evaluated 2026-01-19.

Conditions:
EP300-related disorder. Also called: EP300-related disorders; EP300-related condition.
Rubinstein-Taybi syndrome due to EP300 haploinsufficiency. Also called: EP300-Related Rubinstein-Taybi Syndrome; RUBINSTEIN-TAYBI SYNDROME 2. Identifiers: Orphanet 353284, Orphanet 783, MedGen C3150941, MONDO:0013364, OMIM 613684.

Allele frequency attached by ClinVar (database versions not stated): gnomAD 0.00001; 1000 Genomes Project 30x 0.00016; 1000 Genomes Project 0.00020.
gnomAD v4.1: 14 of 1,614,092 alleles (0.00087%); highest among the groups gnomAD compares: South Asian, 0.0011%; no homozygotes.

Submissions (2):

Labcorp Genetics (formerly Invitae), Labcorp
Classification: Likely benign for Rubinstein-Taybi syndrome due to EP300 haploinsufficiency. Last evaluated: 2026-01-19. Review status: criteria provided, single submitter. Criteria: Invitae Variant Classification Sherloc (09022015). Collection method: clinical testing. Allele origin: germline.

PreventionGenetics, part of Exact Sciences
Classification: Uncertain significance for EP300-related condition. Last evaluated: 2024-10-04. Review status: criteria provided, single submitter. Criteria: ACMG Guidelines, 2015. Collection method: clinical testing. Allele origin: germline.
Comment: The EP300 c.2083C>T variant is predicted to result in the amino acid substitution p.Arg695Cys. To our knowledge, this variant has not been reported in the literature. This variant is reported in 0.00088% of alleles in individuals of European (Non-Finnish) descent in gnomAD. At this time, the clinical significance of this variant is uncertain due to the absence of conclusive functional and genetic evidence.

NM_001429.4(EP300):c.2083C>T (p.Arg695Cys)

Gene: EP300 (EP300 lysine acetyltransferase; plus strand). Cytogenetic location: 22q13.2.
Variant type: single nucleotide variant.
Coding change: c.2083C>T on transcript NM_001429.4 (MANE Select); coding-DNA position 2083, C replaced by T.
Protein change: p.Arg695Cys; replaces arginine 695 with cysteine.
Molecular consequence: missense variant. On other transcripts: intron variant (1).
Genome position (GRCh38, 1-based): chr22:41,146,768, C>T. VCF-style: chr22-41146768-C-T. GRCh37 (hg19) VCF-style: chr22-41542772-C-T.
Other names: c.2054-1069C>T (NM_001362843.2); short protein forms R695C.
Identifiers: ClinVar variation 2628544 (VCV002628544.3), dbSNP rs200624197, ClinGen allele CA324533555.
Genomic context (GRCh38, chr22:41,146,768, plus strand): 5'-CAAAGATACTTATTTCTCTTTTTTACTCTAGATGGCCCTCTACCTGACCCAAGTATGATC[C>T]GTGGCAGTGTGCCAAACCAGATGATGCCTCGAATAACTCCACAATCTGGTAAATAGTGAA-3'
Protein context (NP_001420.2, residues 685-705): NGPLPDPSMI[Arg695Cys]GSVPNQMMPR